The following is an entry in ClinVar:

ClinVar aggregate classification (germline): Likely benign (1 of 4 stars; one submission).

Conditions:
Breast-ovarian cancer, familial, susceptibility to, 2 (BROVCA2). Also called: BRCA2 Hereditary Breast and Ovarian Cancer. Identifiers: Orphanet 145, MedGen C2675520, MONDO:0012933, OMIM 612555. Disease mechanism: loss of function.

gnomAD v4.1: 1 of 1,614,204 alleles (0.000062%); highest among the groups gnomAD compares: South Asian, 0.0011%; no homozygotes.

Submission:

Cancer Bioinformatics and Tumour Evolution Laboratory, Monash University
Classification: Likely benign for Breast-ovarian cancer, familial, susceptibility to, 2. Last evaluated: 2026-05-01. Review status: criteria provided, single submitter. Criteria: ClinGen BRCA1 and BRCA2 Guidelines, 2024. Collection method: curation. Allele origin: germline. Inheritance: Autosomal dominant inheritance.
Comment: The variant is in a functional domain (DNA Binding Domain). The BayesDel score is -0.274101, which means no deleterious impact is predicted. Hence, BP4 is applied. PMID: 39779857 - HDR analysis yielded a score of 0.062866303, which, according to the study, means it is strongly benign. All other missenses in this position are also strongly beingn. PMID: 39779848 - SGE to evaluate HDR capacity yielded a score of -0.075912244 which indicates that it is very strongly benign. All other missenses in this position except N2699K (uncertain) were benign. Based on these functional studies, BS3 is applied.

Literature cited by the submitters: PubMed 39779857; PubMed 39779848.

NM_000059.4(BRCA2):c.8096A>G (p.Asn2699Ser)

Gene: BRCA2 (BRCA2 DNA repair associated; plus strand). Cytogenetic location: 13q13.1.
Variant type: single nucleotide variant.
Coding change: c.8096A>G on transcript NM_000059.4 (MANE Select); coding-DNA position 8096, A replaced by G.
Protein change: p.Asn2699Ser; replaces asparagine 2699 with serine.
Molecular consequence: missense variant. On other transcripts: non-coding transcript variant (1).
Genome position (GRCh38, 1-based): chr13:32,363,298, A>G. VCF-style: chr13-32363298-A-G. GRCh37 (hg19) VCF-style: chr13-32937435-A-G.
Other names: c.8000A>G, p.Asn2667Ser (NM_001406719.1); c.8096A>G, p.Asn2699Ser (NM_001406720.1, NM_001432077.1); c.3164A>G, p.Asn1055Ser (NM_001406721.1); c.1679A>G, p.Asn560Ser (NM_001406722.1); short protein forms N1055S, N2667S, N2699S, N560S.
Identifiers: ClinVar variation 4856431 (VCV004856431.1).
Genomic context (GRCh38, chr13:32,363,298, plus strand): 5'-ATGACACAGCTGCAAAAACACTTGTTCTCTGTGTTTCTGACATAATTTCATTGAGCGCAA[A>G]TATATCTGAAACTTCTAGCAATAAAACTAGTAGTGCAGATACCCAAAAAGTGGCCATTAT-3'
Protein context (NP_000050.3, residues 2689-2709): CVSDIISLSA[Asn2699Ser]ISETSSNKTS